The following is an entry in ClinVar:

NM_000051.4(ATM):c.3424G>A (p.Glu1142Lys)

Gene: ATM (ATM serine/threonine kinase; plus strand). Cytogenetic location: 11q22.3.
Variant type: single nucleotide variant.
Coding change: c.3424G>A on transcript NM_000051.4 (MANE Select); coding-DNA position 3424, G replaced by A.
Protein change: p.Glu1142Lys; replaces glutamic acid 1142 with lysine.
Molecular consequence: missense variant.
Genome position (GRCh38, 1-based): chr11:108,281,016, G>A. VCF-style: chr11-108281016-G-A. GRCh37 (hg19) VCF-style: chr11-108151743-G-A.
Other names: c.3424G>A, p.Glu1142Lys (NM_001351834.2); short protein forms E1142K.
Identifiers: ClinVar variation 839037 (VCV000839037.9), dbSNP rs2082203589, ClinGen allele CA382519038.

ClinVar aggregate classification (germline): Uncertain significance (1 of 4 stars; one submission).

Conditions:
Ataxia-telangiectasia syndrome (AT). Also called: Ataxia-telangiectasia, complementation group E; Ataxia telangiectasia (A-T); LOUIS-BAR SYNDROME; Ataxia-telangiectasia, complementation group D; AT, COMPLEMENTATION GROUP C; Ataxia-telangiectasia. Identifiers: Orphanet 100, MedGen C0004135, MONDO:0008840, OMIM 208900.

Allele frequency attached by ClinVar (database versions not stated): gnomAD exomes below 0.00001.
gnomAD v4.1: 1 of 1,612,842 alleles (0.000062%); highest among the groups gnomAD compares: Non-Finnish European, 0.000085%; no homozygotes.

Submission:

Labcorp Genetics (formerly Invitae), Labcorp
Classification: Uncertain significance for Ataxia-telangiectasia syndrome. Last evaluated: 2019-03-22. Review status: criteria provided, single submitter. Criteria: Invitae Variant Classification Sherloc (09022015). Collection method: clinical testing. Allele origin: germline.
Comment: This sequence change replaces glutamic acid with lysine at codon 1142 of the ATM protein (p.Glu1142Lys). The glutamic acid residue is moderately conserved and there is a small physicochemical difference between glutamic acid and lysine. In summary, the available evidence is currently insufficient to determine the role of this variant in disease. Therefore, it has been classified as a Variant of Uncertain Significance. Algorithms developed to predict the effect of missense changes on protein structure and function (SIFT, PolyPhen-2, Align-GVGD) all suggest that this variant is likely to be tolerated, but these predictions have not been confirmed by published functional studies and their clinical significance is uncertain. This variant has not been reported in the literature in individuals with ATM-related conditions. This variant is not present in population databases (ExAC no frequency).